The following is an entry in ClinVar:

NM_000112.4(SLC26A2):c.1691_1698dup (p.Ser567fs)

Gene: SLC26A2 (solute carrier family 26 member 2; plus strand). Cytogenetic location: 5q32.
Variant type: Duplication.
Coding change: c.1691_1698dup on transcript NM_000112.4 (MANE Select); coding-DNA positions 1691 to 1698, 8 bases duplicated (AATCTGTG; older notation c.1691_1698dupAATCTGTG).
Protein change: p.Ser567fs; shifts the reading frame from serine 567.
Molecular consequence: frameshift variant.
Genome position (GRCh38, 1-based): chr5:149,981,284-149,981,291, AATCTGTG duplicated; duplicating any 8 consecutive bases within chr5:149,981,282-149,981,291 gives the same sequence; the c. name uses the placement nearest the transcript's 3' end. VCF-style (leftmost placement, unchanged base first): chr5-149981281-T-TTGAATCTG. GRCh37 (hg19) VCF-style: chr5-149360844-T-TTGAATCTG.
Other names: short protein forms S567fs.
Identifiers: ClinVar variation 3754545 (VCV003754545.2).
Genomic context (GRCh38, chr5:149,981,281, plus strand): 5'-TCCTCCGCACTCAGAAGCCAAAGAGTTCACTGCTTGGCTTGGTGGAAGAGTCTGAGGTCT[T>TTGAATCTG]TGAATCTGTGTCTGCTTACAAGAACCTTCAGATTAAGCCAGGCATCAAGATTTTCCGCTT-3'

ClinVar aggregate classification (germline): Pathogenic (1 of 4 stars; one submission).

Conditions:
Diastrophic dysplasia (DTD). Also called: Diastrophic dwarfism. Identifiers: Orphanet 628, MedGen C0220726, MONDO:0009107, OMIM 222600.
Multiple epiphyseal dysplasia type 4 (EDM4). Also called: Multiple Epiphyseal Dysplasia, Recessive; MULTIPLE EPIPHYSEAL DYSPLASIA WITH BILAYERED PATELLAE; MULTIPLE EPIPHYSEAL DYSPLASIA WITH CLUBFOOT; MULTIPLE EPIPHYSEAL DYSPLASIA, AUTOSOMAL RECESSIVE; SLC26A2-Related Multiple Epiphyseal Dysplasia. Identifiers: Orphanet 93307, MedGen C1847593, MONDO:0009189, OMIM 226900.
Achondrogenesis, type IB (ACG1B). Also called: Achondrogenesis Type 1B. Identifiers: Orphanet 932, Orphanet 93298, MedGen C0265274, MONDO:0010966, OMIM 600972.
Atelosteogenesis type II (AO2). Also called: NEONATAL OSSEOUS DYSPLASIA I; Neonatal osseous dysplasia 1; SLC26A2-Related Atelosteogenesis. Identifiers: Orphanet 56304, MedGen C1850554, MONDO:0009727, OMIM 256050.

Submission:

Labcorp Genetics (formerly Invitae), Labcorp
Classification: Pathogenic for Atelosteogenesis type II; Multiple epiphyseal dysplasia type 4; Achondrogenesis, type IB; Diastrophic dysplasia. Last evaluated: 2024-03-01. Review status: criteria provided, single submitter. Criteria: Invitae Variant Classification Sherloc (09022015). Collection method: clinical testing. Allele origin: germline.
Comment: This sequence change creates a premature translational stop signal (p.Ser567Asnfs*21) in the SLC26A2 gene. While this is not anticipated to result in nonsense mediated decay, it is expected to disrupt the last 173 amino acid(s) of the SLC26A2 protein. This variant is not present in population databases (gnomAD no frequency). This variant has not been reported in the literature in individuals affected with SLC26A2-related conditions. This variant disrupts a region of the SLC26A2 protein in which other variant(s) (p.Ala715Val) have been determined to be pathogenic (PMID: 8571951, 11448940, 15294877, 21077204, 21922596; Invitae). This suggests that this is a clinically significant region of the protein, and that variants that disrupt it are likely to be disease-causing. For these reasons, this variant has been classified as Pathogenic.

Literature cited by the submitters: PubMed 8571951; PubMed 11448940; PubMed 15294877; PubMed 21077204; PubMed 21922596.